The following is an entry in ClinVar:

NM_001377.3(DYNC2H1):c.337C>T (p.Arg113Trp)

Gene: DYNC2H1 (dynein cytoplasmic 2 heavy chain 1; plus strand). Cytogenetic location: 11q22.3.
Variant type: single nucleotide variant.
Coding change: c.337C>T on transcript NM_001377.3 (MANE Select); coding-DNA position 337, C replaced by T.
Protein change: p.Arg113Trp; replaces arginine 113 with tryptophan.
Molecular consequence: missense variant.
Genome position (GRCh38, 1-based): chr11:103,113,678, C>T. VCF-style: chr11-103113678-C-T. GRCh37 (hg19) VCF-style: chr11-102984407-C-T.
Other names: c.337C>T, p.Arg113Trp (NM_001080463.2); short protein forms R113W.
Identifiers: ClinVar variation 302000 (VCV000302000.8), dbSNP rs745569868, ClinGen allele CA6252454.

ClinVar aggregate classification (germline): Uncertain significance. Review status: criteria provided, multiple submitters, no conflicts (2 of 4 stars). 4 submissions from 4 submitters: Uncertain significance (2). 2 of the submissions do not count toward it. Last evaluated 2023-05-30.

Conditions:
Jeune thoracic dystrophy. Also called: Short-rib thoracic dysplasia; Jeune syndrome; Infantile thoracic dystrophy; Thoracic pelvic phalangeal dystrophy; Jeune's syndrome; Chondroectodermal dysplasia-like syndrome. Identifiers: Orphanet 474, MedGen C0265275, MONDO:0018770.
Asphyxiating thoracic dystrophy 3. Also called: SHORT-RIB THORACIC DYSPLASIA 3 WITH OR WITHOUT POLYDACTYLY; POLYDACTYLY WITH NEONATAL CHONDRODYSTROPHY, TYPE I; SHORT-RIB THORACIC DYSPLASIA 3/6 WITH POLYDACTYLY, DIGENIC; Short rib polydactyly syndrome 2B; Saldino-Noonan Syndrome. Identifiers: Orphanet 474, Orphanet 93269, Orphanet 93270, Orphanet 93271, MedGen C0036069, MONDO:0013127, OMIM 613091.

Allele frequency attached by ClinVar (database versions not stated): TOPMed below 0.00001; gnomAD 0.00001; ExAC 0.00002; gnomAD exomes 0.00002.

Submissions (4):

Women's Health and Genetics/Laboratory Corporation of America, LabCorp
Classification: Uncertain significance. Last evaluated: 2023-05-30. Review status: criteria provided, single submitter. Criteria: LabCorp Variant Classification Summary - May 2015. Collection method: clinical testing. Allele origin: germline.
Comment: Variant summary: DYNC2H1 c.337C>T (p.Arg113Trp) results in a non-conservative amino acid change in the encoded protein sequence. Four of five in-silico tools predict a damaging effect of the variant on protein function. The variant allele was found at a frequency of 1.5e-05 in 199800 control chromosomes (gnomAD). The available data on variant occurrences in the general population are insufficient to allow any conclusion about variant significance. c.337C>T has been reported in the literature as a compound heterozygous genotype in trans with a pathogenic variant in an individual with a clinical diagnosis of asphyxiating thoracic dystrophy (Zhang_2018). These data do not allow any strong conclusion about variant significance. To our knowledge, no experimental evidence demonstrating an impact on protein function has been reported. The following publication has been ascertained in the context of this evaluation (PMID: 29068549). Three submitters have provided clinical-significance assessments for this variant to ClinVar after 2014 without evidence for independent evaluation and classified the variant as either VUS (n=2) or pathogenic (n=1). Based on the evidence outlined above, the variant was classified as uncertain significance.

Illumina Laboratory Services, Illumina
Classification: Uncertain significance for Asphyxiating thoracic dystrophy 3. Last evaluated: 2018-01-13. Review status: criteria provided, single submitter. Criteria: ICSL Variant Classification Criteria 13 December 2019. Collection method: clinical testing. Allele origin: germline.

Dan Cohn Lab, University Of California Los Angeles
Classification: Pathogenic for Asphyxiating thoracic dystrophy. Last evaluated: 2017-06-01. Review status: no assertion criteria provided. Collection method: research. Allele origin: maternal. Affected: yes. Not counted in ClinVar's aggregate classification.

University of Washington Center for Mendelian Genomics, University of Washington
Classification: Likely pathogenic for asphyxiating thoracic dystrophy. Review status: no assertion criteria provided. Collection method: research. Allele origin: inherited. Affected: yes. Not counted in ClinVar's aggregate classification.

Literature cited by the submitters: PubMed 29068549 (cited by 3 submitters).